The following is an entry in ClinVar:

ClinVar aggregate classification (germline): Conflicting classifications of pathogenicity. Review status: criteria provided, conflicting classifications (1 of 4 stars). 3 submissions from 3 submitters: Uncertain significance (2); Likely benign (1). Last evaluated 2025-11-01.

Conditions:
Duane-radial ray syndrome (DRRS). Also called: Duane-Radial Ray Syndrome/Okihiro Syndrome; Duane-Radial Ray Syndrome (DRRS) / Okihiro Syndrome; ACRORENOOCULAR SYNDROME; Okihiro Syndrome; DR SYNDROME; DUANE ANOMALY WITH RADIAL RAY ABNORMALITIES AND DEAFNESS. Identifiers: Orphanet 93293, Orphanet 959, MedGen C1623209, MONDO:0011812, OMIM 607323. Disease mechanism: gain of function.

Allele frequency attached by ClinVar (database versions not stated): ExAC 0.00002; gnomAD 0.00006; TOPMed 0.00006; ESP Exome Variant Server 0.00008; gnomAD exomes 0.00014.

Submissions (3):

CeGaT Center for Human Genetics Tuebingen
Classification: Likely benign. Last evaluated: 2025-11-01. Review status: criteria provided, single submitter. Criteria: CeGaT Center For Human Genetics Tuebingen Variant Classification Criteria Version 2. Collection method: clinical testing. Allele origin: germline. Affected: yes. Observed: 1 variant allele.
Comment: SALL4: BS2

Women's Health and Genetics/Laboratory Corporation of America, LabCorp
Classification: Uncertain significance. Last evaluated: 2023-06-05. Review status: criteria provided, single submitter. Criteria: LabCorp Variant Classification Summary - May 2015. Collection method: clinical testing. Allele origin: germline.
Comment: Variant summary: SALL4 c.526G>A (p.Val176Met) results in a conservative amino acid change in the encoded protein sequence. Four of five in-silico tools predict a benign effect of the variant on protein function. The variant allele was found at a frequency of 4e-05 in 251412 control chromosomes (gnomAD). To our knowledge, no occurrence of c.526G>A in individuals affected with SALL4-Related Disorders and no experimental evidence demonstrating its impact on protein function have been reported. One ClinVar submitter has assessed the variant since 2014: the variant was classified as uncertain significance. Based on the evidence outlined above, the variant was classified as uncertain significance.

Labcorp Genetics (formerly Invitae), Labcorp
Classification: Uncertain significance for Duane-radial ray syndrome. Last evaluated: 2022-07-09. Review status: criteria provided, single submitter. Criteria: Invitae Variant Classification Sherloc (09022015). Collection method: clinical testing. Allele origin: germline.
Comment: This sequence change replaces valine, which is neutral and non-polar, with methionine, which is neutral and non-polar, at codon 176 of the SALL4 protein (p.Val176Met). This variant is present in population databases (rs142325001, gnomAD 0.008%). This variant has not been reported in the literature in individuals affected with SALL4-related conditions. Algorithms developed to predict the effect of missense changes on protein structure and function (SIFT, PolyPhen-2, Align-GVGD) all suggest that this variant is likely to be tolerated. In summary, the available evidence is currently insufficient to determine the role of this variant in disease. Therefore, it has been classified as a Variant of Uncertain Significance.

NM_020436.5(SALL4):c.526G>A (p.Val176Met)

Gene: SALL4 (spalt like transcription factor 4; minus strand). Cytogenetic location: 20q13.2.
Variant type: single nucleotide variant.
Coding change: c.526G>A on transcript NM_020436.5 (MANE Select); coding-DNA position 526, G replaced by A.
Protein change: p.Val176Met; replaces valine 176 with methionine.
Molecular consequence: missense variant.
Genome position (GRCh38, 1-based): chr20:51,791,957, C>T on the plus strand (G>A on the coding strand, the complement: SALL4 is on the minus strand). VCF-style: chr20-51791957-C-T. GRCh37 (hg19) VCF-style: chr20-50408496-C-T.
Other names: c.526G>A, p.Val176Met (NM_001318031.2); c.526G>A (NM_020436.4); short protein forms V176M.
Identifiers: ClinVar variation 2061353 (VCV002061353.11), dbSNP rs142325001, ClinGen allele CA9912445.